The following is an entry in ClinVar:

ClinVar aggregate classification (germline): Benign. Review status: criteria provided, multiple submitters, no conflicts (2 of 4 stars). 3 submissions from 3 submitters: Benign (3). Last evaluated 2018-01-13.

Conditions:
Hennekam lymphangiectasia-lymphedema syndrome 1 (HKLLS1). Also called: LYMPHATIC DYSPLASIA, GENERALIZED. Identifiers: Orphanet 2136, MedGen C4012050, MONDO:0009337, OMIM 235510.

Allele frequency attached by ClinVar (database versions not stated): 1000 Genomes Project 0.00699; 1000 Genomes Project 30x 0.00828; gnomAD 0.00900 and 0.00930; TOPMed 0.00935; ESP Exome Variant Server 0.00976; ExAC 0.01004; gnomAD exomes 0.01011.
gnomAD v4.1: 19,268 of 1,603,590 alleles (1.2%); highest among the groups gnomAD compares: South Asian, 1.9%; 161 homozygotes.

Submissions (3):

Illumina Laboratory Services, Illumina
Classification: Benign for Hennekam lymphangiectasia-lymphedema syndrome 1. Last evaluated: 2018-01-13. Review status: criteria provided, single submitter. Criteria: ICSL Variant Classification Criteria 13 December 2019. Collection method: clinical testing. Allele origin: germline.
Comment: This variant was observed in the ICSL laboratory as part of a predisposition screen in an ostensibly healthy population. It had not been previously curated by ICSL or reported in the Human Gene Mutation Database (HGMD: prior to June 1st, 2018), and was therefore a candidate for classification through an automated scoring system. Utilizing variant allele frequency, disease prevalence and penetrance estimates, and inheritance mode, an automated score was calculated to assess if this variant is too frequent to cause the disease. Based on the score and internal cut-off values, a variant classified as benign is not then subjected to further curation. The score for this variant resulted in a classification of benign for this disease.

Breakthrough Genomics
Classification: Benign. Review status: criteria provided, single submitter. Criteria: ACMG Guidelines, 2015. Collection method: not provided. Allele origin: germline. Inheritance: Autosomal recessive inheritance. Affected: yes.

PreventionGenetics, part of Exact Sciences
Classification: Benign. Review status: criteria provided, single submitter. Criteria: ACMG Guidelines, 2015. Collection method: clinical testing. Allele origin: germline.

NM_133459.4(CCBE1):c.*14C>T

Gene: CCBE1 (collagen and calcium binding EGF domains 1; minus strand). Cytogenetic location: 18q21.32.
Variant type: single nucleotide variant.
Coding change: c.*14C>T on transcript NM_133459.4 (MANE Select); 14 bases downstream of the stop codon, C replaced by T.
Molecular consequence: 3 prime UTR variant.
Genome position (GRCh38, 1-based): chr18:59,435,894, G>A on the plus strand (C>T on the coding strand, the complement: CCBE1 is on the minus strand). VCF-style: chr18-59435894-G-A. GRCh37 (hg19) VCF-style: chr18-57103126-G-A.
Other names: c.*14C>T (LRG_1209t1).
Identifiers: ClinVar variation 262349 (VCV000262349.7), dbSNP rs72958116, ClinGen allele CA8980146.